The following is an entry in ClinVar:

NM_001354604.2(MITF):c.635T>C (p.Met212Thr)

Gene: MITF (melanocyte inducing transcription factor; plus strand). Cytogenetic location: 3p13.
Variant type: single nucleotide variant.
Coding change: c.635T>C on transcript NM_001354604.2 (MANE Select); coding-DNA position 635, T replaced by C.
Protein change: p.Met212Thr; replaces methionine 212 with threonine.
Molecular consequence: missense variant.
Genome position (GRCh38, 1-based): chr3:69,939,150, T>C. VCF-style: chr3-69939150-T-C. GRCh37 (hg19) VCF-style: chr3-69988301-T-C.
Other names: c.314T>C, p.Met105Thr (NM_000248.4, NM_198158.3); c.479T>C, p.Met160Thr (NM_001184967.2, NM_001354608.2); c.632T>C, p.Met211Thr (NM_001354605.2, NM_001354606.2, NM_006722.3); c.584T>C, p.Met195Thr (NM_001354607.2); c.635T>C, p.Met212Thr (NM_198159.3); c.587T>C, p.Met196Thr (NM_198177.3); c.146T>C, p.Met49Thr (NM_198178.3); short protein forms M105T, M160T, M195T, M196T, M211T, M212T, M49T.
Identifiers: ClinVar variation 4860051 (VCV004860051.1).

ClinVar aggregate classification (germline): Uncertain significance (1 of 4 stars; one submission).

Conditions:
Hereditary cancer-predisposing syndrome. Also called: Neoplastic Syndromes, Hereditary; Tumor predisposition; Hereditary Cancer Syndrome; Hereditary neoplastic syndrome. Identifiers: Orphanet 140162, MedGen C0027672, MeSH D009386, MONDO:0015356.

gnomAD v4.1: 1 of 1,614,090 alleles (0.000062%); highest among the groups gnomAD compares: Non-Finnish European, 0.000085%; no homozygotes.

Submission:

Ambry Genetics
Classification: Uncertain significance for Hereditary cancer-predisposing syndrome. Last evaluated: 2026-03-28. Review status: criteria provided, single submitter. Criteria: Ambry Variant Classification Scheme 2023. Collection method: clinical testing. Allele origin: germline.
Comment: The p.M105T variant (also known as c.314T>C), located in coding exon 3 of the MITF gene, results from a T to C substitution at nucleotide position 314. The methionine at codon 105 is replaced by threonine, an amino acid with similar properties. This amino acid position is conserved. In addition, this alteration is predicted to be tolerated by in silico analysis. Based on the available evidence, the clinical significance of this variant remains unclear.